The following is an entry in ClinVar:

NM_001365999.1(SZT2):c.409C>T (p.Arg137Ter)

Gene: SZT2 (SZT2 subunit of KICSTOR complex; plus strand). Cytogenetic location: 1p34.2.
Variant type: single nucleotide variant.
Coding change: c.409C>T on transcript NM_001365999.1 (MANE Select); coding-DNA position 409, C replaced by T.
Protein change: p.Arg137Ter; replaces arginine 137 with a stop codon.
Molecular consequence: nonsense.
Genome position (GRCh38, 1-based): chr1:43,404,461, C>T. VCF-style: chr1-43404461-C-T. GRCh37 (hg19) VCF-style: chr1-43870132-C-T.
Other names: c.409C>T, p.Arg137Ter (NM_015284.4); short protein forms R137*.
Identifiers: ClinVar variation 1454666 (VCV001454666.6), dbSNP rs1650058382, ClinGen allele CA339997424.
Genomic context (GRCh38, chr1:43,404,461, plus strand): 5'-TTGTTTGATGAAGTTTTCCATGCCCTGTCCCGCTGCTTAGGCGGGCTGCTTCGGCCCTTC[C>T]GAGTGCCTGGATCTTGCATCGACTTCCAGCCTGAGATCTATGTAACTATCCAGGCCTACT-3'

ClinVar aggregate classification (germline): Pathogenic (1 of 4 stars; one submission).

Allele frequency attached by ClinVar (database versions not stated): gnomAD exomes below 0.00001; gnomAD 0.00001; TOPMed 0.00001.
gnomAD v4.1: 2 of 1,613,890 alleles (0.00012%); highest among the groups gnomAD compares: Non-Finnish European, 0.00017%; no homozygotes.

Submission:

Labcorp Genetics (formerly Invitae), Labcorp
Classification: Pathogenic. Last evaluated: 2021-06-24. Review status: criteria provided, single submitter. Criteria: Invitae Variant Classification Sherloc (09022015). Collection method: clinical testing. Allele origin: germline.
Comment: This sequence change creates a premature translational stop signal (p.Arg137*) in the SZT2 gene. It is expected to result in an absent or disrupted protein product. Loss-of-function variants in SZT2 are known to be pathogenic (PMID: 23932106, 27248490, 28556953). This variant is not present in population databases (ExAC no frequency). This variant has not been reported in the literature in individuals affected with SZT2-related conditions. For these reasons, this variant has been classified as Pathogenic.

Literature cited by the submitters: PubMed 23932106; PubMed 27248490; PubMed 28556953.